The following is an entry in ClinVar:

ClinVar aggregate classification (germline): Benign (0 of 4 stars; one submission).

Conditions:
KIRREL1-related disorder. Also called: KIRREL1-related condition.

Allele frequency attached by ClinVar (database versions not stated): gnomAD exomes 0.00034; ExAC 0.00119; 1000 Genomes Project 0.00240; 1000 Genomes Project 30x 0.00265; gnomAD 0.00352; ESP Exome Variant Server 0.00372; TOPMed 0.00391.
gnomAD v4.1: 1,038 of 1,613,928 alleles (0.064%); highest among the groups gnomAD compares: African/African-American, 1.2%; 8 homozygotes.

Submission:

PreventionGenetics, part of Exact Sciences
Classification: Benign for KIRREL1-related condition. Last evaluated: 2019-12-23. Review status: no assertion criteria provided. Collection method: clinical testing. Allele origin: germline.
Comment: This variant is classified as benign based on ACMG/AMP sequence variant interpretation guidelines (Richards et al. 2015 PMID: 25741868, with internal and published modifications).

NM_018240.7(KIRREL1):c.62C>T (p.Thr21Ile)

Gene: KIRREL1 (kirre like nephrin family adhesion molecule 1; plus strand). Cytogenetic location: 1q23.1.
Variant type: single nucleotide variant.
Coding change: c.62C>T on transcript NM_018240.7 (MANE Select); coding-DNA position 62, C replaced by T.
Protein change: p.Thr21Ile; replaces threonine 21 with isoleucine.
Molecular consequence: missense variant. On other transcripts: intron variant (1).
Genome position (GRCh38, 1-based): chr1:158,076,122, C>T. VCF-style: chr1-158076122-C-T. GRCh37 (hg19) VCF-style: chr1-158045912-C-T.
Other names: c.53-8300C>T (NM_001286349.2); short protein forms T21I.
Identifiers: ClinVar variation 3041679 (VCV003041679.2), dbSNP rs62642493, ClinGen allele CA1177302.
Genomic context (GRCh38, chr1:158,076,122, plus strand): 5'-AGGAGCCCCTCTCCTTACTCATCTTACCCAGTGCTGGCTTTGGCTTTGCAGGGACCCAGA[C>T]CCGCTTCAGCCAGGAGCCAGCTGACCAGACGGTGGTGGCTGGACAGCGGGCCGTGCTCCC-3'
Protein context (NP_060710.3, residues 11-31): LSDTFSQGTQ[Thr21Ile]RFSQEPADQT